The following is an entry in ClinVar:

NM_000094.4(COL7A1):c.2615C>T (p.Thr872Met)

Gene: COL7A1 (collagen type VII alpha 1 chain; minus strand). Cytogenetic location: 3p21.31.
Variant type: single nucleotide variant.
Coding change: c.2615C>T on transcript NM_000094.4 (MANE Select); coding-DNA position 2615, C replaced by T.
Protein change: p.Thr872Met; replaces threonine 872 with methionine.
Molecular consequence: missense variant.
Genome position (GRCh38, 1-based): chr3:48,588,377, G>A on the plus strand (C>T on the coding strand, the complement: COL7A1 is on the minus strand). VCF-style: chr3-48588377-G-A. GRCh37 (hg19) VCF-style: chr3-48625810-G-A.
Other names: short protein forms T872M.
Identifiers: ClinVar variation 2152944 (VCV002152944.5), dbSNP rs761872531, ClinGen allele CA2380814.
Genomic context (GRCh38, chr3:48,588,377, plus strand): 5'-CTGGGCACCGGCTCCCAGCGCAGCCTCAGCGAGTGCTCCCCGCGCTGCACCACGTGAAGC[G>A]TCCCCAGGGCTGGCGGAGCCTCAGGCGCTGGAGAGAAAGCTCAGGAATCAGGGAGGCTCT-3'
Protein context (NP_000085.1, residues 862-882): TPPEAPPALG[Thr872Met]LHVVQRGEHS

ClinVar aggregate classification (germline): Conflicting classifications of pathogenicity. Review status: criteria provided, conflicting classifications (1 of 4 stars). 2 submissions from 2 submitters: Uncertain significance (1); Likely benign (1). Last evaluated 2026-05-21.

Conditions:
COL7A1-related disorder. Also called: COL7A1- related disorders; COL7A1-related condition.

Allele frequency attached by ClinVar (database versions not stated): gnomAD 0.00002; TOPMed 0.00002; ExAC 0.00003.
gnomAD v4.1: 20 of 1,611,586 alleles (0.0012%); highest among the groups gnomAD compares: African/African-American, 0.0053%; no homozygotes.

Submissions (2):

PreventionGenetics, part of Exact Sciences
Classification: Uncertain significance for COL7A1-related condition. Last evaluated: 2026-05-21. Review status: criteria provided, single submitter. Criteria: ACMG Guidelines, 2015. Collection method: clinical testing. Allele origin: germline.
Comment: The COL7A1 c.2615C>T variant is predicted to result in the amino acid substitution p.Thr872Met. To our knowledge, this variant has not been reported in the literature. This variant is reported in 0.012% of alleles in individuals of African descent in gnomAD. At this time, the clinical significance of this variant is uncertain due to the absence of conclusive functional and genetic evidence.

Labcorp Genetics (formerly Invitae), Labcorp
Classification: Likely benign. Last evaluated: 2025-04-07. Review status: criteria provided, single submitter. Criteria: Invitae Variant Classification Sherloc (09022015). Collection method: clinical testing. Allele origin: germline.